The following is an entry in ClinVar:

NM_001267550.2(TTN):c.25008C>T (p.Cys8336=)

Gene: TTN (titin; minus strand). Cytogenetic location: 2q31.2.
Variant type: single nucleotide variant.
Coding change: c.25008C>T on transcript NM_001267550.2 (MANE Select); coding-DNA position 25008, C replaced by T.
Protein change: p.Cys8336=; no amino-acid change (cysteine 8336 retained).
Molecular consequence: synonymous variant. On other transcripts: intron variant (3).
Genome position (GRCh38, 1-based): chr2:178,717,998, G>A on the plus strand (C>T on the coding strand, the complement: TTN is on the minus strand). VCF-style: chr2-178717998-G-A. GRCh37 (hg19) VCF-style: chr2-179582725-G-A.
Other names: p.C8019C:TGC>TGT; p.Cys8019=; c.24057C>T, p.Cys8019= (NM_001256850.1); c.21276C>T, p.Cys7092= (NM_133378.4); c.13282+20084C>T (NM_003319.4); c.13858+20084C>T (NM_133437.4); c.13657+20084C>T (NM_133432.3).
Identifiers: ClinVar variation 46747 (VCV000046747.49), dbSNP rs116378128, ClinGen allele CA282912.

ClinVar aggregate classification (germline): Benign/Likely benign. Review status: criteria provided, multiple submitters, no conflicts (2 of 4 stars). 20 submissions from 13 submitters: Benign (14); Likely benign (4). 2 of the submissions do not count toward it. Last evaluated 2026-02-03.

Conditions:
Dilated cardiomyopathy 1G (CMD1G). Identifiers: Orphanet 154, MedGen C1858763, MONDO:0011400, OMIM 604145.
Autosomal recessive limb-girdle muscular dystrophy type 2J (LGMDR10). Also called: MUSCULAR DYSTROPHY, LIMB-GIRDLE, AUTOSOMAL RECESSIVE 10; Limb-girdle muscular dystrophy, type 2J. Identifiers: Orphanet 140922, MedGen C1837342, MONDO:0012127, OMIM 608807.
Early-onset myopathy with fatal cardiomyopathy (CMYO5). Also called: CONGENITAL MYOPATHY 5 WITH CARDIOMYOPATHY; Salih Myopathy. Identifiers: Orphanet 289377, MedGen C2673677, MONDO:0012714, OMIM 611705. Disease mechanism: loss of function.
Myopathy, myofibrillar, 9, with early respiratory failure (MFM9). Also called: Myopathy, distal, with early respiratory failure, autosomal dominant; Hereditary myopathy with early respiratory failure; MYOPATHY, PROXIMAL, WITH EARLY RESPIRATORY MUSCLE INVOLVEMENT; EDSTROM MYOPATHY. Identifiers: Orphanet 178464, Orphanet 34521, MedGen C1863599, MONDO:0011362, OMIM 603689.
Tibial muscular dystrophy (TMD). Also called: Udd Distal Myopathy – Tibial Muscular Dystrophy; Tibial muscular dystrophy, tardive; UDD MYOPATHY. Identifiers: Orphanet 609, MedGen C1838244, MONDO:0010870, OMIM 600334.

Allele frequency attached by ClinVar (database versions not stated): gnomAD exomes 0.00040 and 0.00089; ExAC 0.00106; TOPMed 0.00441; gnomAD 0.00419 and 0.00391; 1000 Genomes Project 30x 0.00328; 1000 Genomes Project 0.00379; ESP Exome Variant Server 0.00395.
gnomAD v4.1: 1,211 of 1,613,766 alleles (0.075%); highest among the groups gnomAD compares: African/African-American, 1.4%; 10 homozygotes.

Submissions (20):

Labcorp Genetics (formerly Invitae), Labcorp
Classification: Benign for Dilated cardiomyopathy 1G; Autosomal recessive limb-girdle muscular dystrophy type 2J. Last evaluated: 2026-02-03. Review status: criteria provided, single submitter. Criteria: Invitae Variant Classification Sherloc (09022015). Collection method: clinical testing. Allele origin: germline.

Mayo Clinic Laboratories, Mayo Clinic
Classification: Benign. Last evaluated: 2025-02-03. Review status: criteria provided, single submitter. Criteria: ACMG Guidelines, 2015. Collection method: clinical testing. Allele origin: germline. Observed: 9 variant alleles.
Comment: BS1, BS2, BP4, BP7

ARUP Laboratories, Molecular Genetics and Genomics, ARUP Laboratories
Classification: Benign. Last evaluated: 2024-11-12. Review status: criteria provided, single submitter. Criteria: ARUP Molecular Germline Variant Investigation Process 2024. Collection method: clinical testing. Allele origin: germline.

Blueprint Genetics
Classification: Likely benign. Last evaluated: 2024-11-01. Review status: criteria provided, single submitter. Criteria: ACMG Guidelines, 2015. Collection method: clinical testing. Allele origin: germline.

CeGaT Center for Human Genetics Tuebingen
Classification: Benign. Last evaluated: 2024-04-01. Review status: criteria provided, single submitter. Criteria: CeGaT Center For Human Genetics Tuebingen Variant Classification Criteria Version 2. Collection method: clinical testing. Allele origin: germline. Affected: yes. Observed: 1 variant allele.
Comment: TTN: BP4, BS1, BS2

Genome-Nilou Lab
Classification: Benign for Autosomal recessive limb-girdle muscular dystrophy type 2J. Last evaluated: 2021-09-10. Review status: criteria provided, single submitter. Criteria: ACMG Guidelines, 2015. Collection method: clinical testing. Allele origin: germline. Affected: no.

Genome-Nilou Lab
Classification: Benign for Myopathy, myofibrillar, 9, with early respiratory failure. Last evaluated: 2021-09-10. Review status: criteria provided, single submitter. Criteria: ACMG Guidelines, 2015. Collection method: clinical testing. Allele origin: germline. Affected: no.

Genome-Nilou Lab
Classification: Benign for Early-onset myopathy with fatal cardiomyopathy. Last evaluated: 2021-09-10. Review status: criteria provided, single submitter. Criteria: ACMG Guidelines, 2015. Collection method: clinical testing. Allele origin: germline. Affected: no.

Genome-Nilou Lab
Classification: Benign for Tibial muscular dystrophy. Last evaluated: 2021-09-10. Review status: criteria provided, single submitter. Criteria: ACMG Guidelines, 2015. Collection method: clinical testing. Allele origin: germline. Affected: no.

Women's Health and Genetics/Laboratory Corporation of America, LabCorp
Classification: Benign. Last evaluated: 2020-02-03. Review status: criteria provided, single submitter. Criteria: LabCorp Variant Classification Summary - May 2015. Collection method: clinical testing. Allele origin: germline.
Comment: Variant summary: TTN c.21276C>T alters a conserved nucleotide resulting in a synonymous change. Several computational tools predict a significant impact on normal splicing: Two predict the variant creates a 5' donor site. However, these predictions have yet to be confirmed by functional studies. The variant allele was found at a frequency of 0.00089 in 248574 control chromosomes in the gnomAD database, including 1 homozygotes. The observed variant frequency is approximately 1.4 fold of the estimated maximal expected allele frequency for a pathogenic variant in TTN causing Cardiomyopathy phenotype (0.00063), strongly suggesting that the variant is benign. To our knowledge, no occurrence of c.21276C>T in individuals affected with Cardiomyopathy and no experimental evidence demonstrating its impact on protein function have been reported. Two clinical diagnostic laboratories have submitted clinical-significance assessments for this variant to ClinVar after 2014 without evidence for independent evaluation. Both laboratories classified the variant as benign. Based on the evidence outlined above, the variant was classified as benign.

Illumina Laboratory Services, Illumina
Classification: Benign for Myopathy, myofibrillar, 9, with early respiratory failure. Last evaluated: 2018-01-12. Review status: criteria provided, single submitter. Criteria: ICSL Variant Classification Criteria 13 December 2019. Collection method: clinical testing. Allele origin: germline.
Comment: This variant was observed in the ICSL laboratory as part of a predisposition screen in an ostensibly healthy population. It had not been previously curated by ICSL or reported in the Human Gene Mutation Database (HGMD: prior to June 1st, 2018), and was therefore a candidate for classification through an automated scoring system. Utilizing variant allele frequency, disease prevalence and penetrance estimates, and inheritance mode, an automated score was calculated to assess if this variant is too frequent to cause the disease. Based on the score and internal cut-off values, a variant classified as benign is not then subjected to further curation. The score for this variant resulted in a classification of benign for this disease.

Illumina Laboratory Services, Illumina
Classification: Likely benign for Early-onset myopathy with fatal cardiomyopathy. Last evaluated: 2018-01-12. Review status: criteria provided, single submitter. Criteria: ICSL Variant Classification Criteria 13 December 2019. Collection method: clinical testing. Allele origin: germline.
Comment: This variant was observed in the ICSL laboratory as part of a predisposition screen in an ostensibly healthy population. It had not been previously curated by ICSL or reported in the Human Gene Mutation Database (HGMD: prior to June 1st, 2018), and was therefore a candidate for classification through an automated scoring system. Utilizing variant allele frequency, disease prevalence and penetrance estimates, and inheritance mode, an automated score was calculated to assess if this variant is too frequent to cause the disease. Based on the score and internal cut-off values, a variant classified as likely benign is not then subjected to further curation. The score for this variant resulted in a classification of likely benign for this disease.

Illumina Laboratory Services, Illumina
Classification: Likely benign for Dilated cardiomyopathy 1G. Last evaluated: 2018-01-12. Review status: criteria provided, single submitter. Criteria: ICSL Variant Classification Criteria 13 December 2019. Collection method: clinical testing. Allele origin: germline.
Comment: the same text as in the submission from Illumina Laboratory Services, Illumina above.

Illumina Laboratory Services, Illumina
Classification: Benign for Tibial muscular dystrophy. Last evaluated: 2018-01-12. Review status: criteria provided, single submitter. Criteria: ICSL Variant Classification Criteria 13 December 2019. Collection method: clinical testing. Allele origin: germline.
Comment: the same text as in the submission from Illumina Laboratory Services, Illumina above.

Illumina Laboratory Services, Illumina
Classification: Likely benign for Autosomal recessive limb-girdle muscular dystrophy type 2J. Last evaluated: 2018-01-12. Review status: criteria provided, single submitter. Criteria: ICSL Variant Classification Criteria 13 December 2019. Collection method: clinical testing. Allele origin: germline.
Comment: the same text as in the submission from Illumina Laboratory Services, Illumina above.

Athena Diagnostics
Classification: Benign. Last evaluated: 2017-09-12. Review status: criteria provided, single submitter. Criteria: Athena Diagnostics Criteria. Collection method: clinical testing. Allele origin: germline.

GeneDx
Classification: Benign. Last evaluated: 2014-04-29. Review status: criteria provided, single submitter. Criteria: GeneDx Variant Classification (06012015). Collection method: clinical testing. Allele origin: germline. Affected: yes.
Comment: This variant is considered likely benign or benign based on one or more of the following criteria: it is a conservative change, it occurs at a poorly conserved position in the protein, it is predicted to be benign by multiple in silico algorithms, and/or has population frequency not consistent with disease.

Laboratory for Molecular Medicine, Mass General Brigham Personalized Medicine
Classification: Benign. Last evaluated: 2012-03-19. Review status: criteria provided, single submitter. Criteria: LMM Criteria. Collection method: clinical testing. Allele origin: germline. Observed: 8 variant alleles.
Comment: p.Cys7092Cys in Exon 83 of TTN: This variant is not expected to have clinical si gnificance because it does not alter an amino acid residue, is not located withi n the splice consensus sequence and has been identified in 1.1% (37/3360) of Afr ican American chromosomes from a broad population by the NHLBI Exome Sequencing Project (dbSNP rs116378128).

Clinical Genetics DNA and cytogenetics Diagnostics Lab, Erasmus MC, Erasmus Medical Center
Classification: Benign. Review status: no assertion criteria provided. Collection method: clinical testing. Allele origin: germline. Affected: yes. Study: VKGL Data-share Consensus. Not counted in ClinVar's aggregate classification.

Clinical Genetics, Academic Medical Center
Classification: Benign. Review status: no assertion criteria provided. Collection method: clinical testing. Allele origin: germline. Affected: yes. Study: VKGL Data-share Consensus. Not counted in ClinVar's aggregate classification.